The following is an entry in ClinVar:

NM_000168.6(GLI3):c.2713C>A (p.Arg905Ser)

Gene: GLI3 (GLI family zinc finger 3; minus strand). Cytogenetic location: 7p14.1.
Variant type: single nucleotide variant.
Coding change: c.2713C>A on transcript NM_000168.6 (MANE Select); coding-DNA position 2713, C replaced by A.
Protein change: p.Arg905Ser; replaces arginine 905 with serine.
Molecular consequence: missense variant.
Genome position (GRCh38, 1-based): chr7:41,966,360, G>T on the plus strand (C>A on the coding strand, the complement: GLI3 is on the minus strand). VCF-style: chr7-41966360-G-T. GRCh37 (hg19) VCF-style: chr7-42005958-G-T.
Other names: short protein forms R905S.
Identifiers: ClinVar variation 4292739 (VCV004292739.1).

ClinVar aggregate classification (germline): Uncertain significance (1 of 4 stars; one submission).

Conditions:
Polydactyly, postaxial, type A1. Identifiers: MedGen C4282400, MONDO:0008266, OMIM 174200.

Submission:

3billion
Classification: Uncertain significance for Polydactyly, postaxial, type A1. Last evaluated: 2025-02-05. Review status: criteria provided, single submitter. Criteria: ACMG Guidelines, 2015. Collection method: clinical testing. Allele origin: germline. Affected: yes.
Comment: The variant is not observed in the gnomAD v4.1.0 dataset. Predicted Consequence/Location: Missense variant. The majority of the known disease-causing variants of this gene are variants expected to result in premature termination of the protein. In silico tool predictions suggest damaging effect of the variant on gene or gene product [REVEL: 0.70 (>=0.6, sensitivity 0.68 and specificity 0.92)]. Different missense changes at the same codon have been reported as of uncertain significance (ClinVar ID: VCV002936060). Therefore, this variant is classified as VUS according to the recommendation of ACMG/AMP guideline.